The following is an entry in ClinVar:

NM_016284.5(CNOT1):c.4575+5G>A

Gene: CNOT1 (CCR4-NOT transcription complex subunit 1; minus strand). Cytogenetic location: 16q21.
Variant type: single nucleotide variant.
Coding change: c.4575+5G>A on transcript NM_016284.5 (MANE Select); 5 bases into the intron after coding-DNA position 4575, G replaced by A.
Molecular consequence: intron variant.
Genome position (GRCh38, 1-based): chr16:58,542,423, C>T on the plus strand (G>A on the coding strand, the complement: CNOT1 is on the minus strand). VCF-style: chr16-58542423-C-T. GRCh37 (hg19) VCF-style: chr16-58576327-C-T.
Other names: c.4560+5G>A (NM_001265612.2).
Identifiers: ClinVar variation 1327708 (VCV001327708.2), dbSNP rs2151916498, ClinGen allele CA2573054247.

ClinVar aggregate classification (germline): Uncertain significance (1 of 4 stars; one submission).

Submission:

GeneDx
Classification: Uncertain significance. Last evaluated: 2021-05-27. Review status: criteria provided, single submitter. Criteria: GeneDx Variant Classification Process June 2021. Collection method: clinical testing. Allele origin: germline. Affected: yes.
Comment: Not observed at significant frequency in large population cohorts (Lek et al., 2016); Canonical splice site variant expected to result in aberrant splicing, although in the absence of functional evidence the actual effect of this sequence change is unknown.; Has not been previously published as pathogenic or benign to our knowledge; This variant is associated with the following publications: (PMID: 27535533)